The following is an entry in ClinVar:

ClinVar aggregate classification (germline): Uncertain significance (1 of 4 stars; one submission).

Submission:

GeneDx
Classification: Uncertain significance. Last evaluated: 2023-05-25. Review status: criteria provided, single submitter. Criteria: GeneDx Variant Classification Process June 2021. Collection method: clinical testing. Allele origin: germline. Affected: yes.
Comment: Not observed at significant frequency in large population cohorts (gnomAD); Canonical splice site variant in a gene or region of a gene for which loss of function is not a well-established mechanism of disease; Has not been previously published as pathogenic or benign to our knowledge

NM_001267550.2(TTN):c.40477+2T>C

Gene: TTN (titin; minus strand). Cytogenetic location: 2q31.2.
Variant type: single nucleotide variant.
Coding change: c.40477+2T>C on transcript NM_001267550.2 (MANE Select); the canonical splice donor site of the intron after coding-DNA position 40477, T replaced by C.
Molecular consequence: splice donor variant. On other transcripts: intron variant (3).
Genome position (GRCh38, 1-based): chr2:178,644,546, A>G on the plus strand (T>C on the coding strand, the complement: TTN is on the minus strand). VCF-style: chr2-178644546-A-G. GRCh37 (hg19) VCF-style: chr2-179509273-A-G.
Other names: c.13283-2229T>C (NM_003319.4); c.13859-2229T>C (NM_133437.4); c.13658-2229T>C (NM_133432.3); c.32773+2T>C (NM_133378.4); c.35554+2T>C (NM_001256850.1).
Identifiers: ClinVar variation 3361969 (VCV003361969.1).